The following is an entry in ClinVar:

NM_000051.4(ATM):c.2838+13A>G

Gene: ATM (ATM serine/threonine kinase; plus strand). Cytogenetic location: 11q22.3.
Variant type: single nucleotide variant.
Coding change: c.2838+13A>G on transcript NM_000051.4 (MANE Select); 13 bases into the intron after coding-DNA position 2838, A replaced by G.
Molecular consequence: intron variant.
Genome position (GRCh38, 1-based): chr11:108,268,622, A>G. VCF-style: chr11-108268622-A-G. GRCh37 (hg19) VCF-style: chr11-108139349-A-G.
Other names: c.2838+13A>G (NM_001351834.2).
Identifiers: ClinVar variation 510710 (VCV000510710.8), dbSNP rs778502800, ClinGen allele CA6265122.
Genomic context (GRCh38, chr11:108,268,622, plus strand): 5'-ATTGATTCTAGCACGCTAGAACCTACCAAATCCCTCCACCTGCATATGGTGAGTTACGTT[A>G]AATGAAGAAGCTCTTGGATTTTATCTGATGTTGCTGACTAAATGTAATGAGTTGACATGT-3'

ClinVar aggregate classification (germline): Likely benign. Review status: criteria provided, multiple submitters, no conflicts (2 of 4 stars). 2 submissions from 2 submitters: Likely benign (2). Last evaluated 2025-04-29.

Conditions:
Ataxia-telangiectasia syndrome (AT). Also called: Cerebello-oculocutaneous telangiectasia; Immunodeficiency with ataxia telangiectasia; AT, COMPLEMENTATION GROUP C; Ataxia-telangiectasia, complementation group D; LOUIS-BAR SYNDROME; Ataxia-telangiectasia, complementation group E. Identifiers: Orphanet 100, MedGen C0004135, MONDO:0008840, OMIM 208900.

Allele frequency attached by ClinVar (database versions not stated): gnomAD 0.00001; gnomAD exomes 0.00001; TOPMed 0.00001; ExAC 0.00002.
gnomAD v4.1: 4 of 1,612,546 alleles (0.00025%); highest among the groups gnomAD compares: African/African-American, 0.0053%; no homozygotes.

Submissions (2):

Labcorp Genetics (formerly Invitae), Labcorp
Classification: Likely benign for Ataxia-telangiectasia syndrome. Last evaluated: 2025-04-29. Review status: criteria provided, single submitter. Criteria: Invitae Variant Classification Sherloc (09022015). Collection method: clinical testing. Allele origin: germline.

GeneDx
Classification: Likely benign. Last evaluated: 2017-07-06. Review status: criteria provided, single submitter. Criteria: GeneDx Variant Classification (06012015). Collection method: clinical testing. Allele origin: germline. Affected: yes.
Comment: This variant is considered likely benign or benign based on one or more of the following criteria: it is a conservative change, it occurs at a poorly conserved position in the protein, it is predicted to be benign by multiple in silico algorithms, and/or has population frequency not consistent with disease.